The following is an entry in ClinVar:

ClinVar aggregate classification (germline): Uncertain significance (1 of 4 stars; one submission).

Conditions:
Coffin-Siris syndrome 6. Identifiers: MedGen C4540499, MONDO:0033492, OMIM 617808.

Submission:

Laboratorio de Genetica e Diagnostico Molecular, Hospital Israelita Albert Einstein
Classification: Uncertain significance for Coffin-Siris syndrome 6. Last evaluated: 2025-11-06. Review status: criteria provided, single submitter. Criteria: ACMG Guidelines, 2015. Collection method: clinical testing. Allele origin: germline. Affected: yes.
Comment: ACMG classification criteria: PM2 supporting

NM_152641.4(ARID2):c.3527T>A (p.Val1176Asp)

Gene: ARID2 (AT-rich interaction domain 2; plus strand). Cytogenetic location: 12q12.
Variant type: single nucleotide variant.
Coding change: c.3527T>A on transcript NM_152641.4 (MANE Select); coding-DNA position 3527, T replaced by A.
Protein change: p.Val1176Asp; replaces valine 1176 with aspartic acid.
Molecular consequence: missense variant.
Genome position (GRCh38, 1-based): chr12:45,851,650, T>A. VCF-style: chr12-45851650-T-A. GRCh37 (hg19) VCF-style: chr12-46245433-T-A.
Other names: c.3527T>A, p.Val1176Asp (NM_001347839.2); short protein forms V1176D.
Identifiers: ClinVar variation 4846913 (VCV004846913.1).